The following is an entry in ClinVar:

ClinVar aggregate classification (germline): Uncertain significance (1 of 4 stars; one submission).

Conditions:
Myopathy, proximal, and ophthalmoplegia (CMYO6). Also called: INCLUSION BODY MYOPATHY 3, AUTOSOMAL DOMINANT; MYOPATHY WITH CONGENITAL JOINT CONTRACTURES, OPHTHALMOPLEGIA, AND RIMMED VACUOLES; CONGENITAL MYOPATHY 6 WITH OPHTHALMOPLEGIA. Identifiers: Orphanet 363677, Orphanet 79091, MedGen C1854106, MONDO:0011577, OMIM 605637.

Allele frequency attached by ClinVar (database versions not stated): gnomAD exomes below 0.00001.
gnomAD v4.1: 4 of 1,614,062 alleles (0.00025%); highest among the groups gnomAD compares: Non-Finnish European, 0.00034%; no homozygotes.

Submission:

Labcorp Genetics (formerly Invitae), Labcorp
Classification: Uncertain significance for Myopathy, proximal, and ophthalmoplegia. Last evaluated: 2024-12-12. Review status: criteria provided, single submitter. Criteria: Invitae Variant Classification Sherloc (09022015). Collection method: clinical testing. Allele origin: germline.
Comment: This sequence change replaces arginine, which is basic and polar, with threonine, which is neutral and polar, at codon 1580 of the MYH2 protein (p.Arg1580Thr). This variant is not present in population databases (gnomAD no frequency). This variant has not been reported in the literature in individuals affected with MYH2-related conditions. ClinVar contains an entry for this variant (Variation ID: 1429544). Invitae Evidence Modeling of protein sequence and biophysical properties (such as structural, functional, and spatial information, amino acid conservation, physicochemical variation, residue mobility, and thermodynamic stability) indicates that this missense variant is expected to disrupt MYH2 protein function with a positive predictive value of 80%. In summary, the available evidence is currently insufficient to determine the role of this variant in disease. Therefore, it has been classified as a Variant of Uncertain Significance.

NM_017534.6(MYH2):c.4739G>C (p.Arg1580Thr)

Genes: MYHAS (myosin heavy chain gene cluster antisense RNA; plus strand), MYH2 (myosin heavy chain 2; minus strand), LOC126862500 (BRD4-independent group 4 enhancer GRCh37_chr17:10427829-10429028; plus strand). Cytogenetic location: 17p13.1.
Variant type: single nucleotide variant.
Coding change: c.4739G>C on transcript NM_017534.6 (MANE Select); coding-DNA position 4739, G replaced by C.
Protein change: p.Arg1580Thr; replaces arginine 1580 with threonine.
Molecular consequence: missense variant.
Genome position (GRCh38, 1-based): chr17:10,524,989, C>G on the plus strand (G>C on the coding strand, the complement: MYH2 is on the minus strand). VCF-style: chr17-10524989-C-G. GRCh37 (hg19) VCF-style: chr17-10428306-C-G.
Other names: c.4739G>C, p.Arg1580Thr (NM_001100112.2); short protein forms R1580T.
Identifiers: ClinVar variation 1429544 (VCV001429544.8), dbSNP rs2142292793, ClinGen allele CA398122096.